The following is an entry in ClinVar:

ClinVar aggregate classification (germline): Likely pathogenic (1 of 4 stars; one submission).

Submission:

Labcorp Genetics (formerly Invitae), Labcorp
Classification: Likely pathogenic. Last evaluated: 2024-01-11. Review status: criteria provided, single submitter. Criteria: Invitae Variant Classification Sherloc (09022015). Collection method: clinical testing. Allele origin: germline.
Comment: This variant results in the deletion of part of exon 4 (c.462_520+17del) of the COL7A1 gene. It is expected to disrupt RNA splicing. Variants that disrupt the donor or acceptor splice site typically lead to a loss of protein function (PMID: 16199547), and loss-of-function variants in COL7A1 are known to be pathogenic (PMID: 16971478). This variant is not present in population databases (gnomAD no frequency). This variant has not been reported in the literature in individuals affected with COL7A1-related conditions. In summary, the currently available evidence indicates that the variant is pathogenic, but additional data are needed to prove that conclusively. Therefore, this variant has been classified as Likely Pathogenic.

Literature cited by the submitters: PubMed 16199547; PubMed 16971478.

NM_000094.4(COL7A1):c.462_520+17del

Gene: COL7A1 (collagen type VII alpha 1 chain; minus strand). Cytogenetic location: 3p21.31.
Variant type: Deletion.
Coding change: c.462_520+17del on transcript NM_000094.4 (MANE Select); coding-DNA position 462 through 17 bases into the intron after coding-DNA position 520, 76 bases deleted.
Molecular consequence: splice donor variant.
Genome position (GRCh38, 1-based): chr3:48,593,339-48,593,414, 76 bases deleted. GRCh37 (hg19): chr3:48,630,777-48,630,852.
Identifiers: ClinVar variation 2708983 (VCV002708983.3), dbSNP rs2531345873, ClinGen allele CA2697550880.